The following is an entry in ClinVar:

ClinVar aggregate classification (germline): Uncertain significance (1 of 4 stars; one submission).

Submission:

Labcorp Genetics (formerly Invitae), Labcorp
Classification: Uncertain significance. Last evaluated: 2024-10-28. Review status: criteria provided, single submitter. Criteria: Invitae Variant Classification Sherloc (09022015). Collection method: clinical testing. Allele origin: germline.
Comment: This sequence change replaces arginine, which is basic and polar, with glycine, which is neutral and non-polar, at codon 1441 of the CEP250 protein (p.Arg1441Gly). This variant is not present in population databases (gnomAD no frequency). This variant has not been reported in the literature in individuals affected with CEP250-related conditions. ClinVar contains an entry for this variant (Variation ID: 1036506). An algorithm developed to predict the effect of missense changes on protein structure and function (PolyPhen-2) suggests that this variant is likely to be disruptive. In summary, the available evidence is currently insufficient to determine the role of this variant in disease. Therefore, it has been classified as a Variant of Uncertain Significance.

NM_007186.6(CEP250):c.4321C>G (p.Arg1441Gly)

Gene: CEP250 (centrosomal protein 250; plus strand). Cytogenetic location: 20q11.22.
Variant type: single nucleotide variant.
Coding change: c.4321C>G on transcript NM_007186.6 (MANE Select); coding-DNA position 4321, C replaced by G.
Protein change: p.Arg1441Gly; replaces arginine 1441 with glycine.
Molecular consequence: missense variant.
Genome position (GRCh38, 1-based): chr20:35,502,690, C>G. VCF-style: chr20-35502690-C-G. GRCh37 (hg19) VCF-style: chr20-34090518-C-G.
Other names: c.2425C>G, p.Arg809Gly (NM_001318219.1); short protein forms R1441G, R809G.
Identifiers: ClinVar variation 1036506 (VCV001036506.7), dbSNP rs533821058, ClinGen allele CA408747936.